The following is an entry in ClinVar:

NM_003072.5(SMARCA4):c.2526G>A (p.Arg842=)

Gene: SMARCA4 (SWI/SNF related BAF chromatin remodeling complex subunit ATPase 4; plus strand). Cytogenetic location: 19p13.2.
Variant type: single nucleotide variant.
Coding change: c.2526G>A on transcript NM_003072.5 (MANE Select); coding-DNA position 2526, G replaced by A.
Protein change: p.Arg842=; no amino-acid change (arginine 842 retained).
Molecular consequence: synonymous variant. On other transcripts: non-coding transcript variant (1).
Genome position (GRCh38, 1-based): chr19:11,019,611, G>A. VCF-style: chr19-11019611-G-A. GRCh37 (hg19) VCF-style: chr19-11130287-G-A.
Other names: c.2526G>A, p.Arg842= (NM_001128844.3, NM_001128845.2, NM_001128846.2 and 5 more transcripts).
Identifiers: ClinVar variation 415128 (VCV000415128.33), dbSNP rs958322658, ClinGen allele CA16616147.
Genomic context (GRCh38, chr19:11,019,611, plus strand): 5'-GGCTCCAAAAGCCGAGCTGTGCATCCTGCTTCCCTTGCAGGGATCCCCAGCAGCAAGACG[G>A]GCCTTTGTCCCCCAGCTCCGGAGTGGGAAGTTCAACGTCTTGCTGACGACGTACGAGTAC-3'
Protein context (NP_003063.2, residues 832-852): VSYKGSPAAR[Arg842=]AFVPQLRSGK

ClinVar aggregate classification (germline): Benign/Likely benign. Review status: criteria provided, multiple submitters, no conflicts (2 of 4 stars). 4 submissions from 4 submitters: Benign (1); Likely benign (3). Last evaluated 2026-07-13.

Conditions:
Rhabdoid tumor predisposition syndrome 2 (RTPS2). Identifiers: Orphanet 231108, Orphanet 69077, MedGen C2750074, MONDO:0013224, OMIM 613325.
Hereditary cancer-predisposing syndrome. Also called: Hereditary Cancer Syndrome; Hereditary neoplastic syndrome; Neoplastic Syndromes, Hereditary; Tumor predisposition. Identifiers: Orphanet 140162, MedGen C0027672, MeSH D009386, MONDO:0015356.

Allele frequency attached by ClinVar (database versions not stated): TOPMed 0.00002; gnomAD 0.00002; gnomAD exomes below 0.00001.
gnomAD v4.1: 6 of 1,612,152 alleles (0.00037%); highest among the groups gnomAD compares: Non-Finnish European, 0.00051%; no homozygotes.

Submissions (4):

Myriad Genetics, Inc.
Classification: Benign for Rhabdoid tumor predisposition syndrome 2. Last evaluated: 2026-07-13. Review status: criteria provided, single submitter. Criteria: Myriad Autosomal Dominant, Autosomal Recessive and X-Linked Classification Criteria (2023). Collection method: clinical testing. Allele origin: unknown.
Comment: This variant is considered benign. This variant is a silent/synonymous amino acid change and it is not expected to impact splicing.

Labcorp Genetics (formerly Invitae), Labcorp
Classification: Likely benign for Rhabdoid tumor predisposition syndrome 2. Last evaluated: 2025-11-24. Review status: criteria provided, single submitter. Criteria: Invitae Variant Classification Sherloc (09022015). Collection method: clinical testing. Allele origin: germline.

CeGaT Center for Human Genetics Tuebingen
Classification: Likely benign. Last evaluated: 2024-08-01. Review status: criteria provided, single submitter. Criteria: CeGaT Center For Human Genetics Tuebingen Variant Classification Criteria Version 2. Collection method: clinical testing. Allele origin: germline. Affected: yes. Observed: 1 variant allele.
Comment: SMARCA4: BP4, BP7

Ambry Genetics
Classification: Likely benign for Hereditary cancer-predisposing syndrome. Last evaluated: 2016-03-14. Review status: criteria provided, single submitter. Criteria: Ambry Variant Classification Scheme 2023. Collection method: clinical testing. Allele origin: germline.